The following is an entry in ClinVar:

NM_001166108.2(PALLD):c.1965-12684C>T

Gene: PALLD (palladin, cytoskeletal associated protein; plus strand). Cytogenetic location: 4q32.3.
Variant type: single nucleotide variant.
Coding change: c.1965-12684C>T on transcript NM_001166108.2 (MANE Select); 12684 bases into the intron before coding-DNA position 1965, C replaced by T.
Molecular consequence: intron variant. On other transcripts: missense variant (1).
Genome position (GRCh38, 1-based): chr4:168,878,238, C>T. VCF-style: chr4-168878238-C-T. GRCh37 (hg19) VCF-style: chr4-169799389-C-T.
Other names: c.347C>T, p.Pro116Leu (NM_001166110.2); c.1965-12684C>T (NM_016081.4); c.819-12684C>T (NM_001166109.2); c.-157-12684C>T (NM_001367570.1, NM_001367568.1, NM_001367567.1 and 1 more transcripts); c.347C>T (NM_001166110.1); short protein forms P116L.
Identifiers: ClinVar variation 2998262 (VCV002998262.4), dbSNP rs1436428000, ClinGen allele CA358796413.

ClinVar aggregate classification (germline): Uncertain significance. Review status: criteria provided, multiple submitters, no conflicts (2 of 4 stars). 2 submissions from 2 submitters: Uncertain significance (2). Last evaluated 2025-04-28.

Conditions:
Pancreatic adenocarcinoma. Identifiers: MedGen C0281361, MONDO:0006047, HP:0006725.

Allele frequency attached by ClinVar (database versions not stated): TOPMed 0.00001; gnomAD exomes below 0.00001; gnomAD 0.00001.
gnomAD v4.1: 8 of 1,521,828 alleles (0.00053%); highest among the groups gnomAD compares: Middle Eastern, 0.022%; no homozygotes.

Submissions (2):

Labcorp Genetics (formerly Invitae), Labcorp
Classification: Uncertain significance for Pancreatic adenocarcinoma. Last evaluated: 2025-04-28. Review status: criteria provided, single submitter. Criteria: Invitae Variant Classification Sherloc (09022015). Collection method: clinical testing. Allele origin: germline.
Comment: This sequence change replaces proline, which is neutral and non-polar, with leucine, which is neutral and non-polar, at codon 116 of the PALLD protein (p.Pro116Leu). The frequency data for this variant in the population databases is considered unreliable, as metrics indicate poor data quality at this position in the gnomAD database. This variant has not been reported in the literature in individuals affected with PALLD-related conditions. ClinVar contains an entry for this variant (Variation ID: 2998262). An algorithm developed to predict the effect of missense changes on protein structure and function (PolyPhen-2) suggests that this variant is likely to be tolerated. In summary, the available evidence is currently insufficient to determine the role of this variant in disease. Therefore, it has been classified as a Variant of Uncertain Significance.

Ambry Genetics
Classification: Uncertain significance. Last evaluated: 2024-12-25. Review status: criteria provided, single submitter. Criteria: Ambry Variant Classification Scheme 2023. Collection method: clinical testing. Allele origin: germline.
Comment: The p.P116L variant (also known as c.347C>T), located in coding exon 1 of the PALLD gene, results from a C to T substitution at nucleotide position 347. The proline at codon 116 is replaced by leucine, an amino acid with similar properties. This amino acid position is conserved. In addition, this alteration is predicted to be tolerated by in silico analysis. Based on the available evidence, the clinical significance of this variant remains unclear.